The following is an entry in ClinVar:

ClinVar aggregate classification (germline): Uncertain significance. Review status: criteria provided, multiple submitters, no conflicts (2 of 4 stars). 3 submissions from 3 submitters: Uncertain significance (3). Last evaluated 2025-08-19.

Conditions:
Growth delay due to insulin-like growth factor I resistance. Also called: Somatomedin end-organ insensitivity to; Somatomedin-c resistance to; IGF-1 resistance; Insulin-Like Growth Factor I Resistance; IGF-I RESISTANCE. Identifiers: Orphanet 73273, MedGen C1849157, MONDO:0010038, OMIM 270450.
Inborn genetic diseases. Identifiers: MedGen C0950123, MeSH D030342.

Allele frequency attached by ClinVar (database versions not stated): ExAC 0.00001; gnomAD 0.00001; gnomAD exomes 0.00002; TOPMed 0.00003.

Submissions (3):

Ambry Genetics
Classification: Uncertain significance for Inborn genetic diseases. Last evaluated: 2025-08-19. Review status: criteria provided, single submitter. Criteria: Ambry Variant Classification Scheme 2023. Collection method: clinical testing. Allele origin: germline.

Labcorp Genetics (formerly Invitae), Labcorp
Classification: Uncertain significance. Last evaluated: 2025-06-16. Review status: criteria provided, single submitter. Criteria: Invitae Variant Classification Sherloc (09022015). Collection method: clinical testing. Allele origin: germline.
Comment: This sequence change replaces arginine, which is basic and polar, with cysteine, which is neutral and slightly polar, at codon 391 of the IGF1R protein (p.Arg391Cys). This variant is present in population databases (rs771834417, gnomAD 0.006%). This variant has not been reported in the literature in individuals affected with IGF1R-related conditions. ClinVar contains an entry for this variant (Variation ID: 2985478). Invitae Evidence Modeling of protein sequence and biophysical properties (such as structural, functional, and spatial information, amino acid conservation, physicochemical variation, residue mobility, and thermodynamic stability) indicates that this missense variant is expected to disrupt IGF1R protein function with a positive predictive value of 80%. In summary, the available evidence is currently insufficient to determine the role of this variant in disease. Therefore, it has been classified as a Variant of Uncertain Significance.

Juno Genomics, Hangzhou Juno Genomics, Inc
Classification: Uncertain significance for Growth delay due to insulin-like growth factor I resistance. Review status: criteria provided, single submitter. Criteria: ACMG Guidelines, 2015. Collection method: clinical testing. Allele origin: germline.
Comment: Absent from controls (or at extremely low frequency if recessive) in Genome Aggregation Database.;Missense variant in a gene that has a low rate of benign missense variation.;Multiple lines of computational evidence support a deleterious effect on the gene or gene product.

NM_000875.5(IGF1R):c.1171C>T (p.Arg391Cys)

Gene: IGF1R (insulin like growth factor 1 receptor; plus strand). Cytogenetic location: 15q26.3.
Variant type: single nucleotide variant.
Coding change: c.1171C>T on transcript NM_000875.5 (MANE Select); coding-DNA position 1171, C replaced by T.
Protein change: p.Arg391Cys; replaces arginine 391 with cysteine.
Molecular consequence: missense variant.
Genome position (GRCh38, 1-based): chr15:98,899,545, C>T. VCF-style: chr15-98899545-C-T. GRCh37 (hg19) VCF-style: chr15-99442774-C-T.
Other names: c.1171C>T, p.Arg391Cys (NM_001291858.2); c.1171C>T (NM_000875.3); short protein forms R391C.
Identifiers: ClinVar variation 2985478 (VCV002985478.6), dbSNP rs771834417, ClinGen allele CA7752029.